The following is an entry in ClinVar:

ClinVar aggregate classification (germline): Conflicting classifications of pathogenicity. Review status: criteria provided, conflicting classifications (1 of 4 stars). 4 submissions from 4 submitters: Likely pathogenic (2); Uncertain significance (2). Last evaluated 2023-07-01.

Conditions:
Tuberous sclerosis 1 (TSC1). Identifiers: Orphanet 805, MedGen C1854465, MONDO:0008612, OMIM 191100.

Submissions (4):

CeGaT Center for Human Genetics Tuebingen
Classification: Uncertain significance. Last evaluated: 2023-07-01. Review status: criteria provided, single submitter. Criteria: CeGaT Center For Human Genetics Tuebingen Variant Classification Criteria Version 2. Collection method: clinical testing. Allele origin: germline. Affected: yes. Observed: 1 variant allele.
Comment: TSC1: PM2, PM6, PS4:Supporting

Labcorp Genetics (formerly Invitae), Labcorp
Classification: Uncertain significance for Tuberous sclerosis 1. Last evaluated: 2022-11-24. Review status: criteria provided, single submitter. Criteria: Invitae Variant Classification Sherloc (09022015). Collection method: clinical testing. Allele origin: germline.
Comment: This sequence change replaces leucine, which is neutral and non-polar, with serine, which is neutral and polar, at codon 45 of the TSC1 protein (p.Leu45Ser). This variant is not present in population databases (gnomAD no frequency). This missense change has been observed in individual(s) with clinical features of tuberous sclerosis complex (PMID: 30182498). ClinVar contains an entry for this variant (Variation ID: 534442). Advanced modeling of protein sequence and biophysical properties (such as structural, functional, and spatial information, amino acid conservation, physicochemical variation, residue mobility, and thermodynamic stability) performed at Invitae indicates that this missense variant is not expected to disrupt TSC1 protein function. In summary, the available evidence is currently insufficient to determine the role of this variant in disease. Therefore, it has been classified as a Variant of Uncertain Significance.

Genome-Nilou Lab
Classification: Likely pathogenic for Tuberous sclerosis 1. Last evaluated: 2021-11-07. Review status: criteria provided, single submitter. Criteria: ACMG Guidelines, 2015. Collection method: clinical testing. Allele origin: germline. Affected: no.

Laboratory of Medical Genetics, National & Kapodistrian University of Athens
Classification: Likely pathogenic for Tuberous sclerosis 1. Last evaluated: 2021-10-01. Review status: criteria provided, single submitter. Criteria: ACMG Guidelines, 2015. Collection method: clinical testing. Allele origin: maternal. Affected: yes.
Comment: PM2, PP1, PP3, PP4, PP5

Literature cited by the submitters: PubMed 30182498 (cited by Labcorp Genetics (formerly Invitae), Labcorp); PubMed 34008892 (cited by Laboratory of Medical Genetics, National & Kapodistrian University of Athens).

NM_000368.5(TSC1):c.134T>C (p.Leu45Ser)

Gene: TSC1 (TSC complex subunit 1; minus strand). Cytogenetic location: 9q34.13.
Variant type: single nucleotide variant.
Coding change: c.134T>C on transcript NM_000368.5 (MANE Select); coding-DNA position 134, T replaced by C.
Protein change: p.Leu45Ser; replaces leucine 45 with serine.
Molecular consequence: missense variant. On other transcripts: intron variant (1).
Genome position (GRCh38, 1-based): chr9:132,927,277, A>G on the plus strand (T>C on the coding strand, the complement: TSC1 is on the minus strand). VCF-style: chr9-132927277-A-G. GRCh37 (hg19) VCF-style: chr9-135802664-A-G.
Other names: c.134T>C, p.Leu45Ser (NM_001162426.2, NM_001162427.2); c.-154+1490T>C (NM_001362177.2); short protein forms L45S.
Identifiers: ClinVar variation 534442 (VCV000534442.36), dbSNP rs1554820662, ClinGen allele CA375375186.